The following is an entry in ClinVar:

NM_004562.3(PRKN):c.1129T>C (p.Cys377Arg)

Gene: PRKN (parkin RBR E3 ubiquitin protein ligase; minus strand). Cytogenetic location: 6q26.
Variant type: single nucleotide variant.
Coding change: c.1129T>C on transcript NM_004562.3 (MANE Select); coding-DNA position 1129, T replaced by C.
Protein change: p.Cys377Arg; replaces cysteine 377 with arginine.
Molecular consequence: missense variant.
Genome position (GRCh38, 1-based): chr6:161,386,832, A>G on the plus strand (T>C on the coding strand, the complement: PRKN is on the minus strand). VCF-style: chr6-161386832-A-G. GRCh37 (hg19) VCF-style: chr6-161807864-A-G.
Other names: c.1045T>C, p.Cys349Arg (NM_013987.3); c.682T>C, p.Cys228Arg (NM_013988.3); short protein forms C228R, C377R, C349R.
Identifiers: ClinVar variation 2198231 (VCV002198231.4), dbSNP rs2483325829, ClinGen allele CA366456738.
Genomic context (GRCh38, chr6:161,386,832, plus strand): 5'-GAATGAGTAGGGCATTCTGTACCTGAGTAGTTGTTCCTGAGGCTTCAAATACGGCACTGC[A>G]CTCCCCTTCATGGTACGCTTCTTTACATTCCCGGCAGAAGGCAAACTGCAAAAGAACACA-3'
Protein context (NP_004553.2, residues 367-387): ECKEAYHEGE[Cys377Arg]SAVFEASGTT

ClinVar aggregate classification (germline): Uncertain significance (1 of 4 stars; one submission).

Submission:

Labcorp Genetics (formerly Invitae), Labcorp
Classification: Uncertain significance. Last evaluated: 2022-03-16. Review status: criteria provided, single submitter. Criteria: Invitae Variant Classification Sherloc (09022015). Collection method: clinical testing. Allele origin: germline.
Comment: In summary, the available evidence is currently insufficient to determine the role of this variant in disease. Therefore, it has been classified as a Variant of Uncertain Significance. This sequence change replaces cysteine, which is neutral and slightly polar, with arginine, which is basic and polar, at codon 377 of the PRKN protein (p.Cys377Arg). This variant is not present in population databases (gnomAD no frequency). This variant has not been reported in the literature in individuals affected with PRKN-related conditions. Algorithms developed to predict the effect of missense changes on protein structure and function are either unavailable or do not agree on the potential impact of this missense change (SIFT: "Deleterious"; PolyPhen-2: "Probably Damaging"; Align-GVGD: "Class C0").